The following is an entry in ClinVar:

ClinVar aggregate classification (germline): Uncertain significance. Review status: criteria provided, multiple submitters, no conflicts (2 of 4 stars). 2 submissions from 2 submitters: Uncertain significance (2). Last evaluated 2025-12-11.

Conditions:
Koolen-de Vries syndrome (KDVS). Identifiers: Orphanet 96169, MedGen C1864871, MONDO:0012496, OMIM 610443.

Allele frequency attached by ClinVar (database versions not stated): gnomAD exomes below 0.00001 and 0.00001; gnomAD 0.00001; TOPMed 0.00002.
gnomAD v4.1: 13 of 1,613,770 alleles (0.00081%); highest among the groups gnomAD compares: South Asian, 0.0011%; no homozygotes.

Submissions (2):

Labcorp Genetics (formerly Invitae), Labcorp
Classification: Uncertain significance for Koolen-de Vries syndrome. Last evaluated: 2025-12-11. Review status: criteria provided, single submitter. Criteria: Invitae Variant Classification Sherloc (09022015). Collection method: clinical testing. Allele origin: germline.
Comment: This sequence change replaces aspartic acid, which is acidic and polar, with asparagine, which is neutral and polar, at codon 1052 of the KANSL1 protein (p.Asp1052Asn). This variant is present in population databases (no rsID available, gnomAD 0.003%). This variant has not been reported in the literature in individuals affected with KANSL1-related conditions. ClinVar contains an entry for this variant (Variation ID: 652051). Invitae Evidence Modeling of protein sequence and biophysical properties (such as structural, functional, and spatial information, amino acid conservation, physicochemical variation, residue mobility, and thermodynamic stability) indicates that this missense variant is not expected to disrupt KANSL1 protein function with a negative predictive value of 80%. In summary, the available evidence is currently insufficient to determine the role of this variant in disease. Therefore, it has been classified as a Variant of Uncertain Significance.

Fulgent Genetics
Classification: Uncertain significance for Koolen-de Vries syndrome. Last evaluated: 2024-06-07. Review status: criteria provided, single submitter. Criteria: ACMG Guidelines, 2015. Collection method: clinical testing. Allele origin: germline.

NM_015443.4(KANSL1):c.3154G>A (p.Asp1052Asn)

Gene: KANSL1 (KAT8 regulatory NSL complex subunit 1). Cytogenetic location: 17q21.31.
Variant type: single nucleotide variant.
Coding change: c.3154G>A on transcript NM_015443.4 (MANE Select); coding-DNA position 3154, G replaced by A.
Protein change: p.Asp1052Asn; replaces aspartic acid 1052 with asparagine.
Molecular consequence: missense variant.
Genome position (GRCh38, 1-based): chr17:46,031,640, C>T on the plus strand (G>A on the coding strand, the complement: KANSL1 is on the minus strand). VCF-style: chr17-46031640-C-T. GRCh37 (hg19) VCF-style: chr17-44109006-C-T.
Other names: c.3151G>A, p.Asp1051Asn (NM_001193465.2); c.3154G>A, p.Asp1052Asn (NM_001193466.2, NM_001379198.1); short protein forms D1051N, D1052N.
Identifiers: ClinVar variation 652051 (VCV000652051.9), dbSNP rs1037675968, ClinGen allele CA291125407.